The following is an entry in ClinVar:

ClinVar aggregate classification (germline): Uncertain significance (1 of 4 stars; one submission).

Conditions:
Ehlers-Danlos syndrome, type 4 (EDSVASC). Also called: Ehlers-Danlos syndrome vascular type; Ehlers Danlos syndrome, ecchymotic type; Ehlers Danlos syndrome, arterial type; Ehlers Danlos syndrome, Sack-Barabas type; Ehlers-Danlos Syndrome Type IV. Identifiers: Orphanet 286, MedGen C0268338, MONDO:0017314, OMIM 130050.

Submission:

Labcorp Genetics (formerly Invitae), Labcorp
Classification: Uncertain significance for Ehlers-Danlos syndrome, type 4. Last evaluated: 2021-01-24. Review status: criteria provided, single submitter. Criteria: Invitae Variant Classification Sherloc (09022015). Collection method: clinical testing. Allele origin: germline.
Comment: This sequence change replaces glycine with aspartic acid at codon 1457 of the COL3A1 protein (p.Gly1457Asp). The glycine residue is highly conserved and there is a moderate physicochemical difference between glycine and aspartic acid. This variant is not present in population databases (ExAC no frequency). This variant has not been reported in the literature in individuals with COL3A1-related conditions. Advanced modeling of protein sequence and biophysical properties (such as structural, functional, and spatial information, amino acid conservation, physicochemical variation, residue mobility, and thermodynamic stability) performed at Invitae indicates that this missense variant is expected to disrupt COL3A1 protein function. In summary, the available evidence is currently insufficient to determine the role of this variant in disease. Therefore, it has been classified as a Variant of Uncertain Significance.

NM_000090.4(COL3A1):c.4370G>A (p.Gly1457Asp)

Gene: COL3A1 (collagen type III alpha 1 chain; plus strand). Cytogenetic location: 2q32.2.
Variant type: single nucleotide variant.
Coding change: c.4370G>A on transcript NM_000090.4 (MANE Select); coding-DNA position 4370, G replaced by A.
Protein change: p.Gly1457Asp; replaces glycine 1457 with aspartic acid.
Molecular consequence: missense variant.
Genome position (GRCh38, 1-based): chr2:189,011,743, G>A. VCF-style: chr2-189011743-G-A. GRCh37 (hg19) VCF-style: chr2-189876469-G-A.
Other names: short protein forms G1457D.
Identifiers: ClinVar variation 1468921 (VCV001468921.8), dbSNP rs1688732362, ClinGen allele CA349850445.